The following is an entry in ClinVar:

NM_001267550.2(TTN):c.46304+1G>C

Genes: TTN (titin; minus strand), TTN-AS1 (TTN antisense RNA 1; plus strand). Cytogenetic location: 2q31.2.
Variant type: single nucleotide variant.
Coding change: c.46304+1G>C on transcript NM_001267550.2 (MANE Select); the canonical splice donor site of the intron after coding-DNA position 46304, G replaced by C.
Molecular consequence: splice donor variant. On other transcripts: non-coding transcript variant (1).
Genome position (GRCh38, 1-based): chr2:178,620,216, C>G on the plus strand (G>C on the coding strand, the complement: TTN is on the minus strand). VCF-style: chr2-178620216-C-G. GRCh37 (hg19) VCF-style: chr2-179484943-C-G.
Other names: c.19109+1G>C (NM_003319.4); c.19685+1G>C (NM_133437.4); c.19484+1G>C (NM_133432.3); c.38600+1G>C (NM_133378.4); c.41381+1G>C (NM_001256850.1).
Identifiers: ClinVar variation 5019041 (VCV005019041.2).

ClinVar aggregate classification (germline): Likely pathogenic (1 of 4 stars; one submission).

Conditions:
Myopathy, myofibrillar, 9, with early respiratory failure (MFM9). Also called: MYOPATHY, PROXIMAL, WITH EARLY RESPIRATORY MUSCLE INVOLVEMENT; Hereditary myopathy with early respiratory failure; Myopathy, distal, with early respiratory failure, autosomal dominant; EDSTROM MYOPATHY. Identifiers: Orphanet 178464, Orphanet 34521, MedGen C1863599, MONDO:0011362, OMIM 603689.
Dilated cardiomyopathy 1G (CMD1G). Identifiers: Orphanet 154, MedGen C1858763, MONDO:0011400, OMIM 604145.
Early-onset myopathy with fatal cardiomyopathy (CMYO5). Also called: Salih Myopathy; CONGENITAL MYOPATHY 5 WITH CARDIOMYOPATHY. Identifiers: Orphanet 289377, MedGen C2673677, MONDO:0012714, OMIM 611705. Disease mechanism: loss of function.
Tibial muscular dystrophy (TMD). Also called: Udd Distal Myopathy – Tibial Muscular Dystrophy; Tibial muscular dystrophy, tardive; UDD MYOPATHY. Identifiers: Orphanet 609, MedGen C1838244, MONDO:0010870, OMIM 600334.
Hypertrophic cardiomyopathy 9. Also called: Familial hypertrophic cardiomyopathy 9. Identifiers: MedGen C1861065, MONDO:0013412, OMIM 613765.
Autosomal recessive limb-girdle muscular dystrophy type 2J (LGMDR10). Also called: Limb-girdle muscular dystrophy, type 2J; MUSCULAR DYSTROPHY, LIMB-GIRDLE, AUTOSOMAL RECESSIVE 10. Identifiers: Orphanet 140922, MedGen C1837342, MONDO:0012127, OMIM 608807.

Submission:

Juno Genomics, Hangzhou Juno Genomics, Inc
Classification: Likely pathogenic for Early-onset myopathy with fatal cardiomyopathy; Hypertrophic cardiomyopathy 9; Myopathy, myofibrillar, 9, with early respiratory failure; Tibial muscular dystrophy; Dilated cardiomyopathy 1G; Autosomal recessive limb-girdle muscular dystrophy type 2J. Review status: criteria provided, single submitter. Criteria: ACMG Guidelines, 2015. Collection method: clinical testing. Allele origin: germline.
Comment: Absent from controls (or at extremely low frequency if recessive) in Genome Aggregation Database.;Null variant in a gene where loss of function (LOF) is a known mechanism of disease.